The following is an entry in ClinVar:

NM_000702.4(ATP1A2):c.1478G>A (p.Arg493Gln)

Gene: ATP1A2 (ATPase Na+/K+ transporting subunit alpha 2; plus strand). Cytogenetic location: 1q23.2.
Variant type: single nucleotide variant.
Coding change: c.1478G>A on transcript NM_000702.4 (MANE Select); coding-DNA position 1478, G replaced by A.
Protein change: p.Arg493Gln; replaces arginine 493 with glutamine.
Molecular consequence: missense variant.
Genome position (GRCh38, 1-based): chr1:160,130,118, G>A. VCF-style: chr1-160130118-G-A. GRCh37 (hg19) VCF-style: chr1-160099908-G-A.
Other names: short protein forms R493Q.
Identifiers: ClinVar variation 1017675 (VCV001017675.10), dbSNP rs773318002, ClinGen allele CA1194504.
Genomic context (GRCh38, chr1:160,130,118, plus strand): 5'-AAGACAAGTATGGCCCTCTCTGTAACTACCTGTTGTCTCTCCAGCTGTCTATCCACGAGC[G>A]AGAAGACAGCCCCCAGAGCCACGTGCTGGTGATGAAGGGGGCCCCAGAGCGCATTCTGGA-3'
Protein context (NP_000693.1, residues 483-503): TNKYQLSIHE[Arg493Gln]EDSPQSHVLV

ClinVar aggregate classification (germline): Uncertain significance. Review status: criteria provided, multiple submitters, no conflicts (2 of 4 stars). 2 submissions from 2 submitters: Uncertain significance (2). Last evaluated 2022-12-06.

Conditions:
Familial hemiplegic migraine. Identifiers: MedGen C0338484, MONDO:0000700.
Inborn genetic diseases. Identifiers: MedGen C0950123, MeSH D030342.

Allele frequency attached by ClinVar (database versions not stated): gnomAD exomes 0.00002; ExAC 0.00003.
gnomAD v4.1: 26 of 1,614,204 alleles (0.0016%); highest among the groups gnomAD compares: South Asian, 0.0088%; no homozygotes.

Submissions (2):

Labcorp Genetics (formerly Invitae), Labcorp
Classification: Uncertain significance for Familial hemiplegic migraine. Last evaluated: 2022-12-06. Review status: criteria provided, single submitter. Criteria: Invitae Variant Classification Sherloc (09022015). Collection method: clinical testing. Allele origin: germline.
Comment: This sequence change replaces arginine, which is basic and polar, with glutamine, which is neutral and polar, at codon 493 of the ATP1A2 protein (p.Arg493Gln). This variant is present in population databases (rs773318002, gnomAD 0.01%). This variant has not been reported in the literature in individuals affected with ATP1A2-related conditions. ClinVar contains an entry for this variant (Variation ID: 1017675). Advanced modeling of protein sequence and biophysical properties (such as structural, functional, and spatial information, amino acid conservation, physicochemical variation, residue mobility, and thermodynamic stability) performed at Invitae indicates that this missense variant is not expected to disrupt ATP1A2 protein function. In summary, the available evidence is currently insufficient to determine the role of this variant in disease. Therefore, it has been classified as a Variant of Uncertain Significance.

Ambry Genetics
Classification: Uncertain significance for Inborn genetic diseases. Last evaluated: 2018-07-06. Review status: criteria provided, single submitter. Criteria: Ambry Variant Classification Scheme 2023. Collection method: clinical testing. Allele origin: germline.
Comment: The p.R493Q variant (also known as c.1478G>A), located in coding exon 12 of the ATP1A2 gene, results from a G to A substitution at nucleotide position 1478. The arginine at codon 493 is replaced by glutamine, an amino acid with highly similar properties. This amino acid position is not well conserved in available vertebrate species. In addition, the in silico prediction for this alteration is inconclusive. Since supporting evidence is limited at this time, the clinical significance of this alteration remains unclear.